The following is an entry in ClinVar:

NM_005609.4(PYGM):c.1136C>T (p.Thr379Met)

Gene: PYGM (glycogen phosphorylase, muscle associated; minus strand). Cytogenetic location: 11q13.1.
Variant type: single nucleotide variant.
Coding change: c.1136C>T on transcript NM_005609.4 (MANE Select); coding-DNA position 1136, C replaced by T.
Protein change: p.Thr379Met; replaces threonine 379 with methionine.
Molecular consequence: missense variant.
Genome position (GRCh38, 1-based): chr11:64,753,982, G>A on the plus strand (C>T on the coding strand, the complement: PYGM is on the minus strand). VCF-style: chr11-64753982-G-A. GRCh37 (hg19) VCF-style: chr11-64521454-G-A.
Other names: c.872C>T, p.Thr291Met (NM_001164716.1); short protein forms T379M, T291M.
Identifiers: ClinVar variation 430155 (VCV000430155.3), dbSNP rs1131691807, ClinGen allele CA381176728.
Genomic context (GRCh38, chr11:64,753,982, plus strand): 5'-CGCGGCAGCAGCGTCTCCAAGAGGTGCACCGGCCAGCGCTCCAGGGCCTCGGGCAGCACC[G>A]TGTGGTTGGTGTAGGCACAGGTCCTCACTGTCACATCCCACGCCTGGCACACGGGGTGGG-3'
Protein context (NP_005600.1, residues 369-389): TVRTCAYTNH[Thr379Met]VLPEALERWP

ClinVar aggregate classification (germline): Conflicting classifications of pathogenicity. Review status: criteria provided, conflicting classifications (1 of 4 stars). 2 submissions from 2 submitters: Likely pathogenic (1); Uncertain significance (1). Last evaluated 2025-10-20.

Conditions:
Glycogen storage disease, type V (GSD5). Also called: McArdle type glycogen storage disease; MCARDLE DISEASE; MUSCLE GLYCOGEN PHOSPHORYLASE DEFICIENCY; MYOPHOSPHORYLASE DEFICIENCY; PYGM DEFICIENCY. Identifiers: Orphanet 368, MedGen C0017924, MONDO:0009293, OMIM 232600.

Allele frequency attached by ClinVar (database versions not stated): gnomAD 0.00001; gnomAD exomes 0.00001; TOPMed 0.00002.
gnomAD v4.1: 10 of 1,606,364 alleles (0.00062%); highest among the groups gnomAD compares: South Asian, 0.0011%; no homozygotes.

Submissions (2):

Labcorp Genetics (formerly Invitae), Labcorp
Classification: Uncertain significance for Glycogen storage disease, type V. Last evaluated: 2025-10-20. Review status: criteria provided, single submitter. Criteria: Invitae Variant Classification Sherloc (09022015). Collection method: clinical testing. Allele origin: germline.
Comment: This sequence change replaces threonine, which is neutral and polar, with methionine, which is neutral and non-polar, at codon 379 of the PYGM protein (p.Thr379Met). The frequency data for this variant in the population databases is considered unreliable, as metrics indicate poor data quality at this position in the gnomAD database. This missense change has been observed in individual(s) with McArdle disease (PMID: 17324573). ClinVar contains an entry for this variant (Variation ID: 430155). Invitae Evidence Modeling of protein sequence and biophysical properties (such as structural, functional, and spatial information, amino acid conservation, physicochemical variation, residue mobility, and thermodynamic stability) indicates that this missense variant is expected to disrupt PYGM protein function with a positive predictive value of 95%. In summary, the available evidence is currently insufficient to determine the role of this variant in disease. Therefore, it has been classified as a Variant of Uncertain Significance.

GeneDx
Classification: Likely pathogenic. Last evaluated: 2015-12-10. Review status: criteria provided, single submitter. Criteria: GeneDx Variant Classification (06012015). Collection method: clinical testing. Allele origin: germline. Affected: yes.
Comment: The T379M likely pathogenic variant has been previously reported in individuals who also harbored another variant in PYGM; the phase of these variants was not determined (Aquaron et al., 2007; Nogales-Gadea et al., 2015). It has not been reported as a benign variant to our knowledge. The T379M variant is a non-conservative amino acid substitution, which is likely to impact secondary protein structure as these residues differ in polarity, charge, size and/or other properties. This substitution occurs at a position that is conserved across species. In silico analysis predicts this variant is probably damaging to the protein structure/function. Missense variants in nearby residues (N377Y, E383K, A384D) have been reported in the Human Gene Mutation Database in association with McArdle disease (Stenson et al., 2014), supporting the functional importance of this region of the protein. Therefore, this variant is likely pathogenic; however, the possibility that it is benign cannot be excluded.

Literature cited by the submitters: PubMed 17324573 (cited by Labcorp Genetics (formerly Invitae), Labcorp).